The following is an entry in ClinVar:

NM_015355.4(SUZ12):c.2177G>A (p.Ser726Asn)

Gene: SUZ12 (SUZ12 polycomb repressive complex 2 subunit; plus strand). Cytogenetic location: 17q11.2.
Variant type: single nucleotide variant.
Coding change: c.2177G>A on transcript NM_015355.4 (MANE Select); coding-DNA position 2177, G replaced by A.
Protein change: p.Ser726Asn; replaces serine 726 with asparagine.
Molecular consequence: missense variant.
Genome position (GRCh38, 1-based): chr17:31,998,960, G>A. VCF-style: chr17-31998960-G-A. GRCh37 (hg19) VCF-style: chr17-30325979-G-A.
Other names: c.2108G>A, p.Ser703Asn (NM_001321207.2); c.2177G>A (NM_015355.3); short protein forms S703N, S726N.
Identifiers: ClinVar variation 3025211 (VCV003025211.23), dbSNP rs140801412, ClinGen allele CA8489899.

ClinVar aggregate classification (germline): Likely benign. Review status: criteria provided, single submitter (1 of 4 stars). 2 submissions from 2 submitters: Likely benign (1). 1 of the submissions does not count toward it. Last evaluated 2026-10-01.

Conditions:
SUZ12-related disorder. Also called: SUZ12-related condition.

Allele frequency attached by ClinVar (database versions not stated): gnomAD exomes 0.00149; 1000 Genomes Project 30x 0.00078; 1000 Genomes Project 0.00080; TOPMed 0.00082; gnomAD 0.00090; ESP Exome Variant Server 0.00109; ExAC 0.00118.
gnomAD v4.1: 2,297 of 1,595,300 alleles (0.14%); highest among the groups gnomAD compares: Middle Eastern, 0.27%; 7 homozygotes.

Submissions (2):

CeGaT Center for Human Genetics Tuebingen
Classification: Likely benign. Last evaluated: 2026-10-01. Review status: criteria provided, single submitter. Criteria: CeGaT Center For Human Genetics Tuebingen Variant Classification Criteria Version 2. Collection method: clinical testing. Allele origin: germline. Affected: yes. Observed: 5 variant alleles.
Comment: SUZ12: BP4, BS1

PreventionGenetics, part of Exact Sciences
Classification: Likely benign for SUZ12-related condition. Last evaluated: 2020-07-17. Review status: no assertion criteria provided. Collection method: clinical testing. Allele origin: germline. Not counted in ClinVar's aggregate classification.
Comment: This variant is classified as likely benign based on ACMG/AMP sequence variant interpretation guidelines (Richards et al. 2015 PMID: 25741868, with internal and published modifications).